The following is an entry in ClinVar:

NM_020436.5(SALL4):c.1511C>T (p.Pro504Leu)

Gene: SALL4 (spalt like transcription factor 4; minus strand). Cytogenetic location: 20q13.2.
Variant type: single nucleotide variant.
Coding change: c.1511C>T on transcript NM_020436.5 (MANE Select); coding-DNA position 1511, C replaced by T.
Protein change: p.Pro504Leu; replaces proline 504 with leucine.
Molecular consequence: missense variant. On other transcripts: intron variant (1).
Genome position (GRCh38, 1-based): chr20:51,790,972, G>A on the plus strand (C>T on the coding strand, the complement: SALL4 is on the minus strand). VCF-style: chr20-51790972-G-A. GRCh37 (hg19) VCF-style: chr20-50407511-G-A.
Other names: c.1150+361C>T (NM_001318031.2); short protein forms P504L.
Identifiers: ClinVar variation 3338948 (VCV003338948.1).

ClinVar aggregate classification (germline): Uncertain significance (1 of 4 stars; one submission).

gnomAD v4.1: 3 of 1,614,160 alleles (0.00019%); highest among the groups gnomAD compares: South Asian, 0.0022%; no homozygotes.

Submission:

Women's Health and Genetics/Laboratory Corporation of America, LabCorp
Classification: Uncertain significance. Last evaluated: 2024-07-30. Review status: criteria provided, single submitter. Criteria: LabCorp Variant Classification Summary - May 2015. Collection method: clinical testing. Allele origin: germline.
Comment: Variant summary: SALL4 c.1511C>T (p.Pro504Leu) results in a non-conservative amino acid change in the encoded protein sequence. Three of five in-silico tools predict a benign effect of the variant on protein function. The variant allele was found at a frequency of 4e-06 in 251308 control chromosomes (gnomAD). The available data on variant occurrences in the general population are insufficient to allow any conclusion about variant significance. To our knowledge, no occurrence of c.1511C>T in individuals affected with SALL4-Related Disorders and no experimental evidence demonstrating its impact on protein function have been reported. No submitters have cited clinical-significance assessments for this variant to ClinVar. Based on the evidence outlined above, the variant was classified as uncertain significance.